The following is an entry in ClinVar:

ClinVar aggregate classification (germline): Conflicting classifications of pathogenicity. Review status: criteria provided, conflicting classifications (1 of 4 stars). 2 submissions from 2 submitters: Uncertain significance (1); Likely benign (1). Last evaluated 2023-12-07.

Conditions:
Combined immunodeficiency due to DOCK8 deficiency (HIES2). Also called: HIES autosomal recessive; HYPER-IgE SYNDROME 2, AUTOSOMAL RECESSIVE, WITH RECURRENT INFECTIONS; DOCK8 Deficiency; HYPER-IgE RECURRENT INFECTION SYNDROME 2, AUTOSOMAL RECESSIVE; Hyper-IgE recurrent infection syndrome, autosomal recessive. Identifiers: Orphanet 217390, MedGen C4722305, MONDO:0009478, OMIM 243700.

gnomAD v4.1: 9 of 1,613,986 alleles (0.00056%); highest among the groups gnomAD compares: South Asian, 0.0044%; no homozygotes.

Submissions (2):

Blueprint Genetics
Classification: Likely benign. Last evaluated: 2023-12-07. Review status: criteria provided, single submitter. Criteria: ACMG Guidelines, 2015. Collection method: clinical testing. Allele origin: germline.

Labcorp Genetics (formerly Invitae), Labcorp
Classification: Uncertain significance for Combined immunodeficiency due to DOCK8 deficiency. Last evaluated: 2023-09-23. Review status: criteria provided, single submitter. Criteria: Invitae Variant Classification Sherloc (09022015). Collection method: clinical testing. Allele origin: germline.
Comment: This sequence change affects codon 467 of the DOCK8 mRNA. It is a 'silent' change, meaning that it does not change the encoded amino acid sequence of the DOCK8 protein. This variant is not present in population databases (gnomAD no frequency). This variant has not been reported in the literature in individuals affected with DOCK8-related conditions. Algorithms developed to predict the effect of sequence changes on RNA splicing suggest that this variant may disrupt the consensus splice site. In summary, the available evidence is currently insufficient to determine the role of this variant in disease. Therefore, it has been classified as a Variant of Uncertain Significance.

NM_203447.4(DOCK8):c.1401C>T (p.Ser467=)

Gene: DOCK8 (dedicator of cytokinesis 8; plus strand). Cytogenetic location: 9p24.3.
Variant type: single nucleotide variant.
Coding change: c.1401C>T on transcript NM_203447.4 (MANE Select); coding-DNA position 1401, C replaced by T.
Protein change: p.Ser467=; no amino-acid change (serine 467 retained).
Molecular consequence: synonymous variant.
Genome position (GRCh38, 1-based): chr9:336,697, C>T. VCF-style: chr9-336697-C-T. GRCh37 (hg19) VCF-style: chr9-336697-C-T.
Other names: c.1197C>T, p.Ser399= (NM_001190458.2, NM_001193536.2).
Identifiers: ClinVar variation 2974872 (VCV002974872.4), dbSNP rs767468728, ClinGen allele CA463682175.